The following is an entry in ClinVar:

ClinVar aggregate classification (germline): Uncertain significance. Review status: criteria provided, multiple submitters, no conflicts (2 of 4 stars). 2 submissions from 2 submitters: Uncertain significance (2). Last evaluated 2026-07-29.

Conditions:
Inborn genetic diseases. Identifiers: MedGen C0950123, MeSH D030342.

Submissions (2):

Ambry Genetics
Classification: Uncertain significance for Inborn genetic diseases. Last evaluated: 2026-07-29. Review status: criteria provided, single submitter. Criteria: Ambry Variant Classification Scheme 2023. Collection method: clinical testing. Allele origin: germline.

Labcorp Genetics (formerly Invitae), Labcorp
Classification: Uncertain significance. Last evaluated: 2025-12-17. Review status: criteria provided, single submitter. Criteria: Invitae Variant Classification Sherloc (09022015). Collection method: clinical testing. Allele origin: germline.
Comment: This sequence change replaces aspartic acid, which is acidic and polar, with asparagine, which is neutral and polar, at codon 415 of the ANKRD26 protein (p.Asp415Asn). This variant is present in population databases (rs200163453, gnomAD 0.003%). This variant has not been reported in the literature in individuals affected with ANKRD26-related conditions. ClinVar contains an entry for this variant (Variation ID: 3868559). An algorithm developed to predict the effect of missense changes on protein structure and function outputs the following: PolyPhen-2: "Benign". The asparagine amino acid residue is found in multiple mammalian species, which suggests that this missense change does not adversely affect protein function. Algorithms developed to predict the effect of sequence changes on RNA splicing suggest that this variant may disrupt the consensus splice site. In summary, the available evidence is currently insufficient to determine the role of this variant in disease. Therefore, it has been classified as a Variant of Uncertain Significance.

NM_014915.3(ANKRD26):c.1243G>A (p.Asp415Asn)

Gene: ANKRD26 (ankyrin repeat domain 26; minus strand). Cytogenetic location: 10p12.1.
Variant type: single nucleotide variant.
Coding change: c.1243G>A on transcript NM_014915.3 (MANE Select); coding-DNA position 1243, G replaced by A.
Protein change: p.Asp415Asn; replaces aspartic acid 415 with asparagine.
Molecular consequence: missense variant.
Genome position (GRCh38, 1-based): chr10:27,066,513, C>T on the plus strand (G>A on the coding strand, the complement: ANKRD26 is on the minus strand). VCF-style: chr10-27066513-C-T. GRCh37 (hg19) VCF-style: chr10-27355442-C-T.
Other names: c.1243G>A, p.Asp415Asn (NM_001256053.2); short protein forms D415N.
Identifiers: ClinVar variation 3868559 (VCV003868559.3).